The following is an entry in ClinVar:

NM_025081.3(NYNRIN):c.2282C>T (p.Ala761Val)

Gene: NYNRIN (NYN domain and retroviral integrase containing; plus strand). Cytogenetic location: 14q12.
Variant type: single nucleotide variant.
Coding change: c.2282C>T on transcript NM_025081.3 (MANE Select); coding-DNA position 2282, C replaced by T.
Protein change: p.Ala761Val; replaces alanine 761 with valine.
Molecular consequence: missense variant.
Genome position (GRCh38, 1-based): chr14:24,410,076, C>T. VCF-style: chr14-24410076-C-T. GRCh37 (hg19) VCF-style: chr14-24879282-C-T.
Other names: short protein forms A761V.
Identifiers: ClinVar variation 3703966 (VCV003703966.2).

ClinVar aggregate classification (germline): Uncertain significance (1 of 4 stars; one submission).

gnomAD v4.1: 13 of 1,613,836 alleles (0.00081%); highest among the groups gnomAD compares: Middle Eastern, 0.016%; no homozygotes.

Submission:

Labcorp Genetics (formerly Invitae), Labcorp
Classification: Uncertain significance. Last evaluated: 2024-10-21. Review status: criteria provided, single submitter. Criteria: Invitae Variant Classification Sherloc (09022015). Collection method: clinical testing. Allele origin: germline.
Comment: This sequence change replaces alanine, which is neutral and non-polar, with valine, which is neutral and non-polar, at codon 761 of the NYNRIN protein (p.Ala761Val). This variant is present in population databases (rs752963794, gnomAD 0.01%). This variant has not been reported in the literature in individuals affected with NYNRIN-related conditions. Experimental studies and prediction algorithms are not available or were not evaluated, and the functional significance of this variant is currently unknown. In summary, the available evidence is currently insufficient to determine the role of this variant in disease. Therefore, it has been classified as a Variant of Uncertain Significance.